The following is an entry in ClinVar:

ClinVar aggregate classification (germline): Uncertain significance (1 of 4 stars; one submission).

Allele frequency attached by ClinVar (database versions not stated): ExAC 0.00001.
gnomAD v4.1: 1 of 1,614,230 alleles (0.000062%); highest among the groups gnomAD compares: Non-Finnish European, 0.000085%; no homozygotes.

Submission:

Labcorp Genetics (formerly Invitae), Labcorp
Classification: Uncertain significance. Last evaluated: 2022-08-09. Review status: criteria provided, single submitter. Criteria: Invitae Variant Classification Sherloc (09022015). Collection method: clinical testing. Allele origin: germline.
Comment: This sequence change replaces asparagine with lysine at codon 478 of the TULP1 protein (p.Asn478Lys). The asparagine residue is highly conserved and there is a moderate physicochemical difference between asparagine and lysine. This variant is present in population databases (rs770079177, gnomAD 0.0009%). This variant has not been reported in the literature in individuals affected with TULP1-related conditions. ClinVar contains an entry for this variant (Variation ID: 1369349). Algorithms developed to predict the effect of missense changes on protein structure and function are either unavailable or do not agree on the potential impact of this missense change (SIFT: "Not Available"; PolyPhen-2: "Probably Damaging"; Align-GVGD: "Not Available"). In summary, the available evidence is currently insufficient to determine the role of this variant in disease. Therefore, it has been classified as a Variant of Uncertain Significance.

NM_003322.6(TULP1):c.1434C>A (p.Asn478Lys)

Gene: TULP1 (TUB like protein 1; minus strand). Cytogenetic location: 6p21.31.
Variant type: single nucleotide variant.
Coding change: c.1434C>A on transcript NM_003322.6 (MANE Select); coding-DNA position 1434, C replaced by A.
Protein change: p.Asn478Lys; replaces asparagine 478 with lysine.
Molecular consequence: missense variant.
Genome position (GRCh38, 1-based): chr6:35,500,042, G>T on the plus strand (C>A on the coding strand, the complement: TULP1 is on the minus strand). VCF-style: chr6-35500042-G-T. GRCh37 (hg19) VCF-style: chr6-35467819-G-T.
Other names: c.1275C>A, p.Asn425Lys (NM_001289395.2); short protein forms N478K, N425K.
Identifiers: ClinVar variation 1369349 (VCV001369349.5), dbSNP rs770079177, ClinGen allele CA3772552.